The following is an entry in ClinVar:

NM_001389.5(DSCAM):c.1174C>T (p.Leu392=)

Gene: DSCAM (DS cell adhesion molecule; minus strand). Cytogenetic location: 21q22.2.
Variant type: single nucleotide variant.
Coding change: c.1174C>T on transcript NM_001389.5 (MANE Select); coding-DNA position 1174, C replaced by T.
Protein change: p.Leu392=; no amino-acid change (leucine 392 retained).
Molecular consequence: synonymous variant. On other transcripts: non-coding transcript variant (1).
Genome position (GRCh38, 1-based): chr21:40,347,706, G>A on the plus strand (C>T on the coding strand, the complement: DSCAM is on the minus strand). VCF-style: chr21-40347706-G-A. GRCh37 (hg19) VCF-style: chr21-41719633-G-A.
Other names: c.1174C>T, p.Leu392= (NM_001271534.3, NM_206887.1).
Identifiers: ClinVar variation 3042912 (VCV003042912.2), dbSNP rs377073417, ClinGen allele CA10031543.

ClinVar aggregate classification (germline): Likely benign (0 of 4 stars; one submission).

Conditions:
DSCAM-related disorder. Also called: DSCAM-related condition.

Allele frequency attached by ClinVar (database versions not stated): gnomAD exomes 0.00003; ExAC 0.00007; 1000 Genomes Project 30x 0.00016; 1000 Genomes Project 0.00020; gnomAD 0.00026; TOPMed 0.00031; ESP Exome Variant Server 0.00041.

Submission:

PreventionGenetics, part of Exact Sciences
Classification: Likely benign for DSCAM-related condition. Last evaluated: 2019-06-19. Review status: no assertion criteria provided. Collection method: clinical testing. Allele origin: germline.
Comment: This variant is classified as likely benign based on ACMG/AMP sequence variant interpretation guidelines (Richards et al. 2015 PMID: 25741868, with internal and published modifications).